The following is an entry in ClinVar:

NM_001379500.1(COL18A1):c.776G>T (p.Arg259Leu)

Gene: COL18A1 (collagen type XVIII alpha 1 chain; plus strand). Cytogenetic location: 21q22.3.
Variant type: single nucleotide variant.
Coding change: c.776G>T on transcript NM_001379500.1 (MANE Select); coding-DNA position 776, G replaced by T.
Protein change: p.Arg259Leu; replaces arginine 259 with leucine.
Molecular consequence: missense variant.
Genome position (GRCh38, 1-based): chr21:45,475,513, G>T. VCF-style: chr21-45475513-G-T. GRCh37 (hg19) VCF-style: chr21-46895427-G-T.
Other names: NM_130445.2:c.776G>T; c.1316G>T, p.Arg439Leu (NM_030582.4); c.2021G>T, p.Arg674Leu (NM_130444.3); short protein forms R439L, R674L.
Identifiers: ClinVar variation 340204 (VCV000340204.13), dbSNP rs62000965, ClinGen allele CA10065891.

ClinVar aggregate classification (germline): Benign. Review status: criteria provided, multiple submitters, no conflicts (2 of 4 stars). 3 submissions from 3 submitters: Benign (3). Last evaluated 2026-02-02.

Conditions:
Knobloch syndrome (KNO). Also called: RETINAL DETACHMENT AND OCCIPITAL ENCEPHALOCELE; Myopia retinal detachment encephalocele. Identifiers: Orphanet 1571, MedGen C1849409, MONDO:0800166.

Allele frequency attached by ClinVar (database versions not stated): ExAC 0.00833; 1000 Genomes Project 0.01917; 1000 Genomes Project 30x 0.01952; ESP Exome Variant Server 0.01954; TOPMed 0.02222.
gnomAD v4.1: 5,839 of 1,607,134 alleles (0.36%); highest among the groups gnomAD compares: African/African-American, 6.9%; 196 homozygotes.

Submissions (3):

Labcorp Genetics (formerly Invitae), Labcorp
Classification: Benign. Last evaluated: 2026-02-02. Review status: criteria provided, single submitter. Criteria: Invitae Variant Classification Sherloc (09022015). Collection method: clinical testing. Allele origin: germline.

Illumina Laboratory Services, Illumina
Classification: Benign for Knobloch syndrome 1. Last evaluated: 2018-01-13. Review status: criteria provided, single submitter. Criteria: ICSL Variant Classification Criteria 13 December 2019. Collection method: clinical testing. Allele origin: germline.
Comment: This variant was observed in the ICSL laboratory as part of a predisposition screen in an ostensibly healthy population. It had not been previously curated by ICSL or reported in the Human Gene Mutation Database (HGMD: prior to June 1st, 2018), and was therefore a candidate for classification through an automated scoring system. Utilizing variant allele frequency, disease prevalence and penetrance estimates, and inheritance mode, an automated score was calculated to assess if this variant is too frequent to cause the disease. Based on the score and internal cut-off values, a variant classified as benign is not then subjected to further curation. The score for this variant resulted in a classification of benign for this disease.

Breakthrough Genomics
Classification: Benign. Review status: criteria provided, single submitter. Criteria: ACMG Guidelines, 2015. Collection method: not provided. Allele origin: germline. Inheritance: Autosomal recessive inheritance. Affected: yes.